The following is an entry in ClinVar:

ClinVar aggregate classification (germline): Likely pathogenic (0 of 4 stars; one submission).

Conditions:
Ornithine aminotransferase deficiency (GACR). Also called: OAT DEFICIENCY; OKT DEFICIENCY; Ornithine ketoacid aminotransferase deficiency; Gyrate atrophy; Gyrate atrophy of choroid and retina; Girate atrophy of the retina. Identifiers: Orphanet 414, MedGen C0018425, MONDO:0009796, OMIM 258870.

gnomAD v4.1: 9 of 1,612,398 alleles (0.00056%); highest among the groups gnomAD compares: Non-Finnish European, 0.00076%; no homozygotes.

Submission:

Juha Muilu Group; Institute for Molecular Medicine Finland (FIMM)
Classification: Likely pathogenic for Ornithine aminotransferase deficiency. Review status: no assertion criteria provided. Collection method: not provided. Allele origin: unknown.
Comment: FinDis database variant: This variant was not found or characterized by our laboratory, data were collected from public sources: see reference
ClinVar note: Converted during submission from probable-pathogenic to Likely pathogenic.

NM_000274.4(OAT):c.362G>A (p.Gly121Asp)

Gene: OAT (ornithine aminotransferase; minus strand). Cytogenetic location: 10q26.13.
Variant type: single nucleotide variant.
Coding change: c.362G>A on transcript NM_000274.4 (MANE Select); coding-DNA position 362, G replaced by A.
Protein change: p.Gly121Asp; replaces glycine 121 with aspartic acid.
Molecular consequence: missense variant. On other transcripts: 5 prime UTR variant (2), intron variant (1).
Genome position (GRCh38, 1-based): chr10:124,408,803, C>T on the plus strand (G>A on the coding strand, the complement: OAT is on the minus strand). VCF-style: chr10-124408803-C-T. GRCh37 (hg19) VCF-style: chr10-126097372-C-T.
Other names: c.-53G>A (NM_001171814.2); c.362G>A, p.Gly121Asp (NM_001322965.2, NM_001322966.2, NM_001322967.2 and 3 more transcripts); c.-353G>A (NM_001322974.2); c.199+3170G>A (NM_001322971.2); short protein forms G121D.
Identifiers: ClinVar variation 56123 (VCV000056123.2), dbSNP rs386833605, ClinGen allele CA144150.